The following is an entry in ClinVar:

ClinVar aggregate classification (germline): Benign/Likely benign. Review status: criteria provided, multiple submitters, no conflicts (2 of 4 stars). 6 submissions from 6 submitters: Benign (3); Likely benign (1). 2 of the submissions do not count toward it. Last evaluated 2026-02-01.

Conditions:
Neutropenia, severe congenital, 2, autosomal dominant. Identifiers: Orphanet 486, MedGen C2751288, MONDO:0013139, OMIM 613107.

Allele frequency attached by ClinVar (database versions not stated): gnomAD exomes 0.00043 and 0.00103; ExAC 0.00127; 1000 Genomes Project 30x 0.00422; ESP Exome Variant Server 0.00438; 1000 Genomes Project 0.00439; gnomAD 0.00473 and 0.00505; TOPMed 0.00526.

Submissions (6):

Labcorp Genetics (formerly Invitae), Labcorp
Classification: Benign for Neutropenia, severe congenital, 2, autosomal dominant. Last evaluated: 2026-02-01. Review status: criteria provided, single submitter. Criteria: Invitae Variant Classification Sherloc (09022015). Collection method: clinical testing. Allele origin: germline.

Mayo Clinic Laboratories, Mayo Clinic
Classification: Likely benign. Last evaluated: 2025-02-25. Review status: criteria provided, single submitter. Criteria: ACMG Guidelines, 2015. Collection method: clinical testing. Allele origin: germline. Observed: 8 variant alleles.
Comment: BS1, BP4_moderate

Genetic Services Laboratory, University of Chicago
Classification: Benign. Last evaluated: 2021-04-22. Review status: criteria provided, single submitter. Criteria: ACMG Guidelines, 2015. Collection method: clinical testing. Allele origin: germline. Affected: no.

Breakthrough Genomics
Classification: Benign. Review status: criteria provided, single submitter. Criteria: ACMG Guidelines, 2015. Collection method: not provided. Allele origin: germline. Inheritance: Autosomal dominant inheritance. Affected: yes.

Genome Diagnostics Laboratory, University Medical Center Utrecht
Classification: Likely benign. Review status: no assertion criteria provided. Collection method: clinical testing. Allele origin: germline. Affected: yes. Study: VKGL Data-share Consensus. Not counted in ClinVar's aggregate classification.

Laboratory of Diagnostic Genome Analysis, Leiden University Medical Center (LUMC)
Classification: Likely benign. Review status: no assertion criteria provided. Collection method: clinical testing. Allele origin: germline. Affected: yes. Study: VKGL Data-share Consensus. Not counted in ClinVar's aggregate classification.

NM_005263.5(GFI1):c.1198C>T (p.Leu400Phe)

Genes: GFI1 (growth factor independent 1 transcriptional repressor; minus strand), LOC129930930 (ATAC-STARR-seq lymphoblastoid active region 1314; plus strand). Cytogenetic location: 1p22.1.
Variant type: single nucleotide variant.
Coding change: c.1198C>T on transcript NM_005263.5 (MANE Select); coding-DNA position 1198, C replaced by T.
Protein change: p.Leu400Phe; replaces leucine 400 with phenylalanine.
Molecular consequence: missense variant.
Genome position (GRCh38, 1-based): chr1:92,476,100, G>A on the plus strand (C>T on the coding strand, the complement: GFI1 is on the minus strand). VCF-style: chr1-92476100-G-A. GRCh37 (hg19) VCF-style: chr1-92941657-G-A.
Other names: p.Leu400Phe; c.1198C>T, p.Leu400Phe (NM_001127215.3, NM_001127216.3); short protein forms L400F.
Identifiers: ClinVar variation 470694 (VCV000470694.19), dbSNP rs143708376, ClinGen allele CA951224.